The following is an entry in ClinVar:

ClinVar aggregate classification (germline): Benign/Likely benign. Review status: criteria provided, multiple submitters, no conflicts (2 of 4 stars). 3 submissions from 3 submitters: Benign (1); Likely benign (2). Last evaluated 2026-06-03.

Conditions:
Gastrointestinal stromal tumor. Also called: Gastrointestinal stroma tumor; Gastrointestinal stromal tumor, somatic. Identifiers: Orphanet 44890, MedGen C0238198, MeSH D046152, MONDO:0011719, OMIM 606764, HP:0100723.
Hereditary cancer-predisposing syndrome. Also called: Tumor predisposition; Hereditary Cancer Syndrome; Hereditary neoplastic syndrome; Neoplastic Syndromes, Hereditary. Identifiers: Orphanet 140162, MedGen C0027672, MeSH D009386, MONDO:0015356.

Allele frequency attached by ClinVar (database versions not stated): gnomAD exomes below 0.00001.
gnomAD v4.1: 3 of 1,613,832 alleles (0.00019%); highest among the groups gnomAD compares: Non-Finnish European, 0.00025%; no homozygotes.

Submissions (3):

Myriad Genetics, Inc.
Classification: Benign for Gastrointestinal stromal tumor. Last evaluated: 2026-06-03. Review status: criteria provided, single submitter. Criteria: Myriad Autosomal Dominant, Autosomal Recessive and X-Linked Classification Criteria (2023). Collection method: clinical testing. Allele origin: unknown.
Comment: This variant is considered benign. This variant is a silent/synonymous amino acid change and it is not expected to impact splicing.

Labcorp Genetics (formerly Invitae), Labcorp
Classification: Likely benign for Gastrointestinal stromal tumor. Last evaluated: 2025-11-18. Review status: criteria provided, single submitter. Criteria: Invitae Variant Classification Sherloc (09022015). Collection method: clinical testing. Allele origin: germline.

Ambry Genetics
Classification: Likely benign for Hereditary cancer-predisposing syndrome. Last evaluated: 2022-04-12. Review status: criteria provided, single submitter. Criteria: Ambry Variant Classification Scheme 2023. Collection method: clinical testing. Allele origin: germline.

NM_000222.3(KIT):c.1246C>T (p.Leu416=)

Gene: KIT (KIT proto-oncogene, receptor tyrosine kinase; plus strand). Cytogenetic location: 4q12.
Variant type: single nucleotide variant.
Coding change: c.1246C>T on transcript NM_000222.3 (MANE Select); coding-DNA position 1246, C replaced by T.
Protein change: p.Leu416=; no amino-acid change (leucine 416 retained).
Molecular consequence: synonymous variant.
Genome position (GRCh38, 1-based): chr4:54,723,598, C>T. VCF-style: chr4-54723598-C-T. GRCh37 (hg19) VCF-style: chr4-55589764-C-T.
Other names: c.1246C>T, p.Leu416= (NM_001093772.2, NM_001385285.1, NM_001385286.1); c.1249C>T, p.Leu417= (NM_001385284.1, NM_001385288.1, NM_001385290.1 and 1 more transcripts).
Identifiers: ClinVar variation 1158178 (VCV001158178.12), dbSNP rs2109760424, ClinGen allele CA439289508.